The following is an entry in ClinVar:

NM_003000.3(SDHB):c.412G>T (p.Asp138Tyr)

Gene: SDHB (succinate dehydrogenase complex iron sulfur subunit B; minus strand). Cytogenetic location: 1p36.13.
Variant type: single nucleotide variant.
Coding change: c.412G>T on transcript NM_003000.3 (MANE Select); coding-DNA position 412, G replaced by T.
Protein change: p.Asp138Tyr; replaces aspartic acid 138 with tyrosine.
Molecular consequence: missense variant.
Genome position (GRCh38, 1-based): chr1:17,028,611, C>A on the plus strand (G>T on the coding strand, the complement: SDHB is on the minus strand). VCF-style: chr1-17028611-C-A. GRCh37 (hg19) VCF-style: chr1-17355106-C-A.
Other names: short protein forms D138Y.
Identifiers: ClinVar variation 187177 (VCV000187177.14), dbSNP rs786203529, ClinGen allele CA015837.
Genomic context (GRCh38, chr1:17,028,611, plus strand): 5'-CTGCCCCCCATGCAAATAAAAACAAAACCAGAGAGATGCAGAAACTCACGGGAACAAGAT[C>A]CTTTATCACATACATGTGTGGAAGAGGGTAGATTTTTGAGACCTTATTGAGGTTGGTGTC-3'
Protein context (NP_002991.2, residues 128-148): YPLPHMYVIK[Asp138Tyr]LVPDLSNFYA

ClinVar aggregate classification (germline): Likely pathogenic. Review status: criteria provided, multiple submitters, no conflicts (2 of 4 stars). 3 submissions from 3 submitters: Likely pathogenic (3). Last evaluated 2021-08-10.

Conditions:
Gastrointestinal stromal tumor. Also called: Gastrointestinal stromal tumor, somatic; Gastrointestinal stroma tumor. Identifiers: Orphanet 44890, MedGen C0238198, MeSH D046152, MONDO:0011719, OMIM 606764, HP:0100723.
Pheochromocytoma. Also called: MAX-Related Hereditary Paraganglioma-Pheochromocytoma Syndrome. Identifiers: Orphanet 29072, MedGen C0031511, MONDO:0008233, OMIM 171300, HP:0002666.
Pheochromocytoma/paraganglioma syndrome 4. Also called: Paragangliomas 4; PARAGANGLIOMA, FAMILIAL MALIGNANT; PARAGANGLIOMAS, HEREDITARY EXTRAADRENAL; PHEOCHROMOCYTOMA, FAMILIAL EXTRAADRENAL; SDHB-Related Hereditary Paraganglioma-Pheochromocytoma Syndrome; CAROTID BODY TUMORS AND MULTIPLE EXTRAADRENAL PHEOCHROMOCYTOMAS. Identifiers: Orphanet 29072, MedGen C1861848, MONDO:0007273, OMIM 115310.
Hereditary cancer-predisposing syndrome. Also called: Tumor predisposition; Neoplastic Syndromes, Hereditary; Hereditary Cancer Syndrome; Hereditary neoplastic syndrome. Identifiers: Orphanet 140162, MedGen C0027672, MeSH D009386, MONDO:0015356.

Submissions (3):

Laboratory of Medical Genetics, National & Kapodistrian University of Athens
Classification: Likely pathogenic for Pheochromocytoma/paraganglioma syndrome 4. Last evaluated: 2021-08-10. Review status: criteria provided, single submitter. Criteria: ACMG Guidelines, 2015. Collection method: clinical testing. Allele origin: unknown. Affected: yes.
Comment: PM2, PM5, PP2, PP3, PP5

Labcorp Genetics (formerly Invitae), Labcorp
Classification: Likely pathogenic for Gastrointestinal stromal tumor; Pheochromocytoma/paraganglioma syndrome 4; Pheochromocytoma. Last evaluated: 2020-12-12. Review status: criteria provided, single submitter. Criteria: Invitae Variant Classification Sherloc (09022015). Collection method: clinical testing. Allele origin: germline.
Comment: In summary, the currently available evidence indicates that the variant is pathogenic, but additional data are needed to prove that conclusively. Therefore, this variant has been classified as Likely Pathogenic. This variant disrupts the p.Asp138 amino acid residue in SDHB. Other variant(s) that disrupt this residue have been determined to be pathogenic (PMID: 22517554, 31666924, 31492822). This suggests that this residue is clinically significant, and that variants that disrupt this residue are likely to be disease-causing. Algorithms developed to predict the effect of sequence changes on RNA splicing suggest that this variant may create or strengthen a splice site, but this prediction has not been confirmed by published transcriptional studies. Advanced modeling of protein sequence and biophysical properties (such as structural, functional, and spatial information, amino acid conservation, physicochemical variation, residue mobility, and thermodynamic stability) performed at Invitae indicates that this missense variant is expected to disrupt SDHB protein function. This variant has not been reported in the literature in individuals with SDHB-related conditions. ClinVar contains an entry for this variant (Variation ID: 187177). This variant is not present in population databases (ExAC no frequency). This sequence change replaces aspartic acid with tyrosine at codon 138 of the SDHB protein (p.Asp138Tyr). The aspartic acid residue is highly conserved and there is a large physicochemical difference between aspartic acid and tyrosine.

Ambry Genetics
Classification: Likely pathogenic for Hereditary cancer-predisposing syndrome. Last evaluated: 2018-07-11. Review status: criteria provided, single submitter. Criteria: Ambry Variant Classification Scheme 2023. Collection method: clinical testing. Allele origin: germline.
Comment: The p.D138Y variant (also known as c.412G>T), located in coding exon 4 of the SDHB gene, results from a G to T substitution at nucleotide position 412. The aspartic acid at codon 138 is replaced by tyrosine, an amino acid with highly dissimilar properties. A different variant at the same position (p.D138N, c.412G>A) has been reported in two individuals with paraganglioma and tumor studies for these individuals revealed absent SDHB expression on immunohistochemistry (Lefebvre S et al. Horm. Metab. Res. 2012 May;44:334-8; Nozi&egrave;res C et al. Eur. J. Endocrinol. 2012 Jun;166:1107-11). Structural analysis showed that D138 engages in hydrogen bonds and electrostatic interactions with nearby residues and D138Y results in local destabilization of the SDHB protein (Sun F et al. Cell. 2005 Jul;121:1043-57; Ambry internal data). This variant was not reported in population-based cohorts in the Genome Aggregation Database (gnomAD) (Lek M et al. Nature. 2016 08;536:285-91). This amino acid position is highly conserved in available vertebrate species. In addition, this alteration is predicted to be deleterious by in silico analysis. Based on the majority of available evidence to date, this variant is likely to be pathogenic.

Literature cited by the submitters: PubMed 22517554 (cited by Labcorp Genetics (formerly Invitae), Labcorp and Ambry Genetics); PubMed 31666924 (cited by Labcorp Genetics (formerly Invitae), Labcorp); PubMed 31492822 (cited by Labcorp Genetics (formerly Invitae), Labcorp); PubMed 15989954 (cited by Ambry Genetics); PubMed 22430264 (cited by Ambry Genetics).